The following is an entry in ClinVar:

ClinVar aggregate classification (germline): Pathogenic. Review status: criteria provided, multiple submitters, no conflicts (2 of 4 stars). 2 submissions from 2 submitters: Pathogenic (2). Last evaluated 2020-10-23.

Conditions:
Usher syndrome type 2. Also called: Usher Syndrome Type II. Identifiers: Orphanet 231178, MedGen C0339534, MONDO:0016484.

Allele frequency attached by ClinVar (database versions not stated): gnomAD exomes below 0.00001.
gnomAD v4.1: 2 of 1,606,490 alleles (0.00012%); highest among the groups gnomAD compares: Non-Finnish European, 0.00017%; no homozygotes.

Submissions (2):

Institute of Medical Genetics and Applied Genomics, University Hospital Tübingen
Classification: Pathogenic. Last evaluated: 2020-10-23. Review status: criteria provided, single submitter. Criteria: ACMG Guidelines, 2015. Collection method: clinical testing. Allele origin: germline. Inheritance: Unknown mechanism. Affected: yes.

Center of Genomic medicine, Geneva, University Hospital of Geneva
Classification: Pathogenic for Usher syndrome type 2. Last evaluated: 2018-08-06. Review status: criteria provided, single submitter. Criteria: ACMG Guidelines, 2015. Collection method: clinical testing. Allele origin: germline. Affected: yes. Observed: 1 variant allele.

NM_032119.4(ADGRV1):c.10458G>A (p.Trp3486Ter)

Gene: ADGRV1 (adhesion G protein-coupled receptor V1; plus strand). Cytogenetic location: 5q14.3.
Variant type: single nucleotide variant.
Coding change: c.10458G>A on transcript NM_032119.4 (MANE Select); coding-DNA position 10458, G replaced by A.
Protein change: p.Trp3486Ter; replaces tryptophan 3486 with a stop codon.
Molecular consequence: nonsense. On other transcripts: non-coding transcript variant (1).
Genome position (GRCh38, 1-based): chr5:90,729,673, G>A. VCF-style: chr5-90729673-G-A. GRCh37 (hg19) VCF-style: chr5-90025490-G-A.
Other names: short protein forms W3486*.
Identifiers: ClinVar variation 695021 (VCV000695021.4), dbSNP rs1580905929, ClinGen allele CA360405307.